The following is an entry in ClinVar:

GRCh38/hg38 15q11.2-13.1(chr15:22358243-28481444)x3

Genes: SNORD116-26 (small nucleolar RNA, C/D box 116-26; plus strand), SNORD116-27 (small nucleolar RNA, C/D box 116-27; plus strand), SNORD116-28 (small nucleolar RNA, C/D box 116-28; plus strand), SNORD116-29 (small nucleolar RNA, C/D box 116-29; plus strand), SNORD116-3 (small nucleolar RNA, C/D box 116-3; plus strand) and 168 more. Cytogenetic location: 15q11.2-13.1.
Variant type: copy number gain.
Change: copy number 3 (three copies instead of two) of chr15:22,358,243-28,481,444 (6.12 Mb, GRCh38 coordinates, 1-based), cytogenetic band 15q11.2-13.1.
Identifiers: ClinVar variation 160971 (VCV000160971.1).

ClinVar aggregate classification (germline): Pathogenic (1 of 4 stars; one submission).

Submission:

ISCA site 4
Classification: Pathogenic. Last evaluated: 2011-08-12. Review status: criteria provided, single submitter. Criteria: Kaminsky et al. (Genet Med. 2011). Collection method: clinical testing. Allele origin: unknown. Affected: yes. Observed: 2 variant alleles.
Comment: Copy number variation identified through the course of routine clinical cytogenomic testing in postnatal populations. Clinical assertions have been curated as described in Kaminsky et al. 2011.